The following is an entry in ClinVar:

NM_015272.5(RPGRIP1L):c.2591_2592del (p.Tyr864fs)

Gene: RPGRIP1L (RPGRIP1 like; minus strand). Cytogenetic location: 16q12.2.
Variant type: Deletion.
Coding change: c.2591_2592del on transcript NM_015272.5 (MANE Select); coding-DNA positions 2591 to 2592, 2 bases deleted (AT; older notation c.2591_2592delAT).
Protein change: p.Tyr864fs; shifts the reading frame from tyrosine 864.
Molecular consequence: frameshift variant.
Genome position (GRCh38, 1-based): chr16:53,645,716-53,645,717, AT deleted on the plus strand (AT on the coding strand, the reverse complement: RPGRIP1L is on the minus strand); deleting any 2 consecutive bases within chr16:53,645,716-53,645,718 gives the same sequence; the c. name uses the placement nearest the transcript's 3' end. VCF-style (leftmost placement, unchanged base first): chr16-53645715-CAT-C. GRCh37 (hg19) VCF-style: chr16-53679627-CAT-C.
Other names: c.2591_2592del, p.Tyr864fs (NM_001127897.4, NM_001308334.3, NM_001330538.2); short protein forms Y864fs.
Identifiers: ClinVar variation 1454714 (VCV001454714.7), dbSNP rs772028612, ClinGen allele CA8057519.
Genomic context (GRCh38, chr16:53,645,715, plus strand): 5'-TCAGAGGCACATTGACTTTTCCTATGTAAATATTCTCCTGGGTATCACTATCATCAAAAA[CAT>C]AAAAACTCAGAGACTCTGACTTAAGGTATCGATCCAAGTCCATATTCATTGGCACTGGGA-3'

ClinVar aggregate classification (germline): Pathogenic/Likely pathogenic. Review status: criteria provided, multiple submitters, no conflicts (2 of 4 stars). 2 submissions from 2 submitters: Pathogenic (1); Likely pathogenic (1). Last evaluated 2024-03-26.

Conditions:
Meckel syndrome, type 5 (MKS5). Identifiers: Orphanet 564, MedGen C1969052, MONDO:0012695, OMIM 611561.
Joubert syndrome 7 (JBTS7). Identifiers: Orphanet 220497, MedGen C1969053, MONDO:0012694, OMIM 611560.
COACH syndrome 3. Identifiers: MedGen C5436841, MONDO:0030862, OMIM 619113.
Meckel-Gruber syndrome. Also called: DYSENCEPHALIA SPLANCHNOCYSTICA; GRUBER SYNDROME; Dysencephalia splachnocystica. Identifiers: Orphanet 564, MedGen C0265215, MONDO:0018921.
Joubert syndrome. Also called: CEREBELLOPARENCHYMAL DISORDER IV; JOUBERT-BOLTSHAUSER SYNDROME; Familial aplasia of the vermis. Identifiers: Orphanet 475, MedGen C5979921, MONDO:0018772.

Submissions (2):

Fulgent Genetics
Classification: Likely pathogenic for Joubert syndrome 7; Meckel syndrome, type 5; COACH syndrome 3. Last evaluated: 2024-03-26. Review status: criteria provided, single submitter. Criteria: ACMG Guidelines, 2015. Collection method: clinical testing. Allele origin: germline.

Labcorp Genetics (formerly Invitae), Labcorp
Classification: Pathogenic for Joubert syndrome; Meckel-Gruber syndrome. Last evaluated: 2020-10-31. Review status: criteria provided, single submitter. Criteria: Invitae Variant Classification Sherloc (09022015). Collection method: clinical testing. Allele origin: germline.
Comment: For these reasons, this variant has been classified as Pathogenic. This variant has not been reported in the literature in individuals with RPGRIP1L-related conditions. This variant is present in population databases (rs772028612, ExAC 0.006%). This sequence change creates a premature translational stop signal (p.Tyr864Cysfs*3) in the RPGRIP1L gene. It is expected to result in an absent or disrupted protein product. Loss-of-function variants in RPGRIP1L are known to be pathogenic (PMID: 17558409).

Literature cited by the submitters: PubMed 17558409 (cited by Labcorp Genetics (formerly Invitae), Labcorp).